The following is an entry in ClinVar:

ClinVar aggregate classification (germline): Pathogenic/Likely pathogenic. Review status: criteria provided, multiple submitters, no conflicts (2 of 4 stars). 2 submissions from 2 submitters: Pathogenic (1); Likely pathogenic (1). Last evaluated 2021-10-29.

Conditions:
RHO-related disorder. Also called: RHO-related condition.

Submissions (2):

Labcorp Genetics (formerly Invitae), Labcorp
Classification: Pathogenic. Last evaluated: 2021-10-29. Review status: criteria provided, single submitter. Criteria: Invitae Variant Classification Sherloc (09022015). Collection method: clinical testing. Allele origin: germline.
Comment: This sequence change replaces methionine, which is neutral and non-polar, with arginine, which is basic and polar, at codon 216 of the RHO protein (p.Met216Arg). This variant is not present in population databases (gnomAD no frequency). For these reasons, this variant has been classified as Pathogenic. This variant disrupts the p.Met216 amino acid residue in RHO. Other variant(s) that disrupt this residue have been determined to be pathogenic (PMID: 8081400; Invitae). This suggests that this residue is clinically significant, and that variants that disrupt this residue are likely to be disease-causing. Algorithms developed to predict the effect of sequence changes on RNA splicing suggest that this variant may create or strengthen a splice site. Experimental studies have shown that this missense change affects RHO function (PMID: 30977563). Advanced modeling of protein sequence and biophysical properties (such as structural, functional, and spatial information, amino acid conservation, physicochemical variation, residue mobility, and thermodynamic stability) performed at Invitae indicates that this missense variant is expected to disrupt RHO protein function. ClinVar contains an entry for this variant (Variation ID: 866926). This missense change has been observed in individuals with autosomal dominant retinitis pigmentosa (PMID: 9010870, 26962691).

Blueprint Genetics
Classification: Likely pathogenic for RHO-related disorders. Last evaluated: 2019-09-26. Review status: criteria provided, single submitter. Criteria: ACMG Guidelines, 2015. Collection method: clinical testing. Allele origin: germline. Affected: yes. Observed: 2 variant alleles.

Literature cited by the submitters: PubMed 8081400 (cited by Labcorp Genetics (formerly Invitae), Labcorp); PubMed 30977563 (cited by Labcorp Genetics (formerly Invitae), Labcorp); PubMed 9010870 (cited by Labcorp Genetics (formerly Invitae), Labcorp); PubMed 26962691 (cited by Labcorp Genetics (formerly Invitae), Labcorp).

NM_000539.3(RHO):c.647T>G (p.Met216Arg)

Gene: RHO (rhodopsin; plus strand). Cytogenetic location: 3q22.1.
Variant type: single nucleotide variant.
Coding change: c.647T>G on transcript NM_000539.3 (MANE Select); coding-DNA position 647, T replaced by G.
Protein change: p.Met216Arg; replaces methionine 216 with arginine.
Molecular consequence: missense variant.
Genome position (GRCh38, 1-based): chr3:129,532,367, T>G. VCF-style: chr3-129532367-T-G. GRCh37 (hg19) VCF-style: chr3-129251210-T-G.
Other names: short protein forms M216R.
Identifiers: ClinVar variation 866926 (VCV000866926.8), dbSNP rs984572250, ClinGen allele CA82620557.
Genomic context (GRCh38, chr3:129,532,367, plus strand): 5'-CGGAGGTCAACAACGAGTCTTTTGTCATCTACATGTTCGTGGTCCACTTCACCATCCCCA[T>G]GATTATCATCTTTTTCTGCTATGGGCAGCTCGTCTTCACCGTCAAGGAGGTACGGGCCGG-3'
Protein context (NP_000530.1, residues 206-226): YMFVVHFTIP[Met216Arg]IIIFFCYGQL